The following is an entry in ClinVar:

ClinVar aggregate classification (germline): Pathogenic. Review status: criteria provided, multiple submitters, no conflicts (2 of 4 stars). 6 submissions from 6 submitters: Pathogenic (6). Last evaluated 2026-09-03.

Conditions:
Renal tubulopathies.
Familial hypokalemia-hypomagnesemia (GTLMNS). Also called: HYPOMAGNESEMIA-HYPOKALEMIA, PRIMARY RENOTUBULAR, WITH HYPOCALCIURIA; POTASSIUM AND MAGNESIUM DEPLETION; gitelman syndrome. Identifiers: Orphanet 358, MedGen C0268450, MONDO:0009904, OMIM 263800.

Allele frequency attached by ClinVar (database versions not stated): ExAC 0.00001; gnomAD 0.00002; TOPMed 0.00002.
gnomAD v4.1: 20 of 1,613,956 alleles (0.0012%); highest among the groups gnomAD compares: East Asian, 0.0045%; no homozygotes.

Submissions (6):

Genetics Laboratory, Great Ormond Street Hospital NHS Foundation Trust, North Thames Genomic Laboratory Hub
Classification: Pathogenic for Renal tubulopathies. Last evaluated: 2026-09-03. Review status: criteria provided, single submitter. Criteria: ACGS Best Practice Guidelines for Variant Classification in Rare Disease 2024 v1.2. Collection method: clinical testing. Allele origin: germline. Affected: yes.
Comment: PM2_moderate, PP3_supporting, PM5_moderate, PS3_supporting, PM3_strong, PP4_supporting

Genetics and Genomic Medicine Centre, NeuroGen Healthcare, NeuroGen Healthcare
Classification: Pathogenic for Familial hypokalemia-hypomagnesemia. Last evaluated: 2025-11-27. Review status: criteria provided, single submitter. Criteria: ACMG Guidelines, 2015. Collection method: clinical testing. Allele origin: unknown. Affected: yes.

Natera, Inc.
Classification: Pathogenic for Gitelman syndrome. Last evaluated: 2025-10-17. Review status: criteria provided, single submitter. Criteria: Natera Variant Classification Schema (03/2026). Collection method: clinical testing. Allele origin: germline.
Comment: The c.911C>T variant in SLC12A3 is a missense variant predicted to cause substitution of threonine to methionine at amino acid 304. This variant is rare in the general population with a frequency below the threshold expected for the associated phenotype(s). This variant has been observed in one or more individuals affected with the associated recessive disease, as either homozygous or compound heterozygous with a second variant (PMID: 29398133, 23328711). Computational prediction algorithms indicate this variant is likely to affect gene or protein function. Given the available evidence, this variant is classified as Pathogenic.

Labcorp Genetics (formerly Invitae), Labcorp
Classification: Pathogenic. Last evaluated: 2025-02-25. Review status: criteria provided, single submitter. Criteria: Invitae Variant Classification Sherloc (09022015). Collection method: clinical testing. Allele origin: germline.
Comment: This sequence change replaces threonine, which is neutral and polar, with methionine, which is neutral and non-polar, at codon 304 of the SLC12A3 protein (p.Thr304Met). This variant is present in population databases (rs755069436, gnomAD 0.01%). This missense change has been observed in individual(s) with Gitelman syndrome (PMID: 19451210, 25112827, 30413979, 31672324). In at least one individual the data is consistent with being in trans (on the opposite chromosome) from a pathogenic variant. ClinVar contains an entry for this variant (Variation ID: 1069508). Invitae Evidence Modeling of protein sequence and biophysical properties (such as structural, functional, and spatial information, amino acid conservation, physicochemical variation, residue mobility, and thermodynamic stability) indicates that this missense variant is expected to disrupt SLC12A3 protein function with a positive predictive value of 95%. Experimental studies have shown that this missense change affects SLC12A3 function (PMID: 19451210). For these reasons, this variant has been classified as Pathogenic.

Fulgent Genetics
Classification: Pathogenic for Familial hypokalemia-hypomagnesemia. Last evaluated: 2024-04-29. Review status: criteria provided, single submitter. Criteria: ACMG Guidelines, 2015. Collection method: clinical testing. Allele origin: germline.

Juno Genomics, Hangzhou Juno Genomics, Inc
Classification: Pathogenic for Familial hypokalemia-hypomagnesemia. Review status: criteria provided, single submitter. Criteria: ACMG Guidelines, 2015. Collection method: clinical testing. Allele origin: germline. Affected: yes.
Comment: Absent from controls (or at extremely low frequency if recessive) in Genome Aggregation Database, Exome Sequencing Project, 1000 Genomes Project, or Exome Aggregation Consortium.;For recessive disorders, detected in trans with a pathogenic variant.;Well-established in vitro or in vivo functional studies supportive of a damaging effect on the gene or gene product.;Multiple lines of computational evidence support a deleterious effect on the gene or gene product (conservation, evolutionary, splicing impact, etc).

Literature cited by the submitters: PubMed 29398133 (cited by Natera, Inc.); PubMed 23328711 (cited by Natera, Inc.); PubMed 19451210 (cited by Labcorp Genetics (formerly Invitae), Labcorp); PubMed 25112827 (cited by Labcorp Genetics (formerly Invitae), Labcorp); PubMed 30413979 (cited by Labcorp Genetics (formerly Invitae), Labcorp); PubMed 31672324 (cited by Labcorp Genetics (formerly Invitae), Labcorp).

NM_001126108.2(SLC12A3):c.911C>T (p.Thr304Met)

Gene: SLC12A3 (solute carrier family 12 member 3; plus strand). Cytogenetic location: 16q13.
Variant type: single nucleotide variant.
Coding change: c.911C>T on transcript NM_001126108.2 (MANE Select); coding-DNA position 911, C replaced by T.
Protein change: p.Thr304Met; replaces threonine 304 with methionine.
Molecular consequence: missense variant.
Genome position (GRCh38, 1-based): chr16:56,872,409, C>T. VCF-style: chr16-56872409-C-T. GRCh37 (hg19) VCF-style: chr16-56906321-C-T.
Other names: c.911C>T (NM_000339.2); c.911C>T, p.Thr304Met (NM_000339.3); c.908C>T, p.Thr303Met (NM_001126107.2); short protein forms T303M, T304M.
Identifiers: ClinVar variation 1069508 (VCV001069508.16), dbSNP rs755069436, ClinGen allele CA8069260.